The following is an entry in ClinVar:

NM_000996.4(RPL35A):c.227G>C (p.Arg76Pro)

Genes: DRC9 (dynein regulatory complex subunit 9; minus strand), RPL35A (ribosomal protein L35a; plus strand). Cytogenetic location: 3q29.
Variant type: single nucleotide variant.
Coding change: c.227G>C on transcript NM_000996.4 (MANE Select); coding-DNA position 227, G replaced by C.
Protein change: p.Arg76Pro; replaces arginine 76 with proline.
Molecular consequence: missense variant. On other transcripts: intron variant (3).
Genome position (GRCh38, 1-based): chr3:197,954,065, G>C. VCF-style: chr3-197954065-G-C. GRCh37 (hg19) VCF-style: chr3-197680936-G-C.
Other names: c.227G>C, p.Arg76Pro (NM_001316311.2); c.-50+5464C>G (NM_001323028.2); c.-60+5464C>G (NM_032263.5); c.-375+5464C>G (NM_001323029.2); short protein forms R76P.
Identifiers: ClinVar variation 1788920 (VCV001788920.2), dbSNP rs1720338562, ClinGen allele CA355884654.
Genomic context (GRCh38, chr3:197,954,065, plus strand): 5'-ACACAGTCACTCCTGGCGGCAAACCAAACAAAACCAGAGTCATCTGGGGAAAAGTAACTC[G>C]GGCCCATGGAAACAGTGGCATGGTTCGTGCCAAATTCCGAAGCAATCTTCCTGCTAAGGC-3'
Protein context (NP_000987.2, residues 66-86): KTRVIWGKVT[Arg76Pro]AHGNSGMVRA

ClinVar aggregate classification (germline): Uncertain significance (1 of 4 stars; one submission).

Conditions:
Diamond-Blackfan anemia. Also called: Blackfan Diamond syndrome; Aregenerative anemia chronic congenital; Red cell aplasia, pure hereditary; Congenital hypoplastic anemia; Aase syndrome. Identifiers: Orphanet 124, MedGen C1260899, MeSH D029503, MONDO:0015253, HP:0004810.

Submission:

Ambry Genetics
Classification: Uncertain significance for Diamond-Blackfan anemia. Last evaluated: 2014-09-16. Review status: criteria provided, single submitter. Criteria: Ambry Variant Classification Scheme 2023. Collection method: clinical testing. Allele origin: germline.
Comment: The p.R76P variant (also known as c.227G>C), located in coding exon 3 of the RPL35a gene, results from a G to C substitution at nucleotide position 227. The arginine at codon 76 is replaced by proline, an amino acid with dissimilar properties. This variant was not reported in population based cohorts in the following databases: Database of Single Nucleotide Polymorphisms (dbSNP), NHLBI Exome Sequencing Project (ESP), and 1000 Genomes Project. In the ESP, this variant was not observed in 6503 samples (13006 alleles) with coverage at this position. This amino acid position is highly conserved in available vertebrate species. In addition, this alteration is predicted to be deleterious by in silico analysis. Since supporting evidence is limited at this time, the clinical significance of this variant remains unclear.